The following is an entry in ClinVar:

ClinVar aggregate classification (germline): Benign/Likely benign. Review status: criteria provided, multiple submitters, no conflicts (2 of 4 stars). 8 submissions from 8 submitters: Benign (4); Likely benign (1). 3 of the submissions do not count toward it. Last evaluated 2026-02-03.

Conditions:
Epidermolysis bullosa simplex 5C, with pyloric atresia (EBS5C). Also called: PLEC1-Related Epidermolysis Bullosa with Pyloric Atresia; PLEC-Related Epidermolysis Bullosa with Pyloric Atresia; Epidermolysis bullosa simplex with pyloric atresia. Identifiers: Orphanet 158684, MedGen C2677349, MONDO:0012807, OMIM 612138.
Epidermolysis bullosa simplex 5B, with muscular dystrophy (EBS5B). Also called: Epidermolysis bullosa simplex with muscular dystrophy; EPIDERMOLYSIS BULLOSA SIMPLEX AND LIMB-GIRDLE MUSCULAR DYSTROPHY. Identifiers: Orphanet 257, MedGen C2931072, MONDO:0009181, OMIM 226670.
Epidermolysis bullosa simplex, Ogna type (EBS5A). Also called: Pidermolysis bullosa simplex 5A, Ogna type; EPIDERMOLYSIS BULLOSA SIMPLEX 5A, OGNA TYPE. Identifiers: Orphanet 79401, MedGen C0432317, MONDO:0007555, OMIM 131950.
Autosomal recessive limb-girdle muscular dystrophy type 2Q (LGMDR17). Also called: MUSCULAR DYSTROPHY, LIMB-GIRDLE, AUTOSOMAL RECESSIVE 17. Identifiers: Orphanet 254361, MedGen C3150989, MONDO:0013390, OMIM 613723.
Epidermolysis bullosa simplex with nail dystrophy (EBS5D). Identifiers: MedGen C4225309, MONDO:0014661, OMIM 616487.

Allele frequency attached by ClinVar (database versions not stated): 1000 Genomes Project 0.01018; 1000 Genomes Project 30x 0.01062; TOPMed 0.01908; gnomAD 0.02185; ESP Exome Variant Server 0.02414.
gnomAD v4.1: 48,811 of 1,611,770 alleles (3%); highest among the groups gnomAD compares: Non-Finnish European, 3.6%; 897 homozygotes.

Submissions (8):

Labcorp Genetics (formerly Invitae), Labcorp
Classification: Benign for Autosomal recessive limb-girdle muscular dystrophy type 2Q; Epidermolysis bullosa simplex, Ogna type; Epidermolysis bullosa simplex with nail dystrophy; Epidermolysis bullosa simplex 5C, with pyloric atresia; Epidermolysis bullosa simplex 5B, with muscular dystrophy. Last evaluated: 2026-02-03. Review status: criteria provided, single submitter. Criteria: Invitae Variant Classification Sherloc (09022015). Collection method: clinical testing. Allele origin: germline.

Blueprint Genetics
Classification: Likely benign. Last evaluated: 2024-11-27. Review status: criteria provided, single submitter. Criteria: ACMG Guidelines, 2015. Collection method: clinical testing. Allele origin: germline.

Mayo Clinic Laboratories, Mayo Clinic
Classification: Benign. Last evaluated: 2017-12-22. Review status: criteria provided, single submitter. Criteria: ACMG Guidelines, 2015. Collection method: clinical testing. Allele origin: germline. Observed: 65 variant alleles.

GeneDx
Classification: Benign. Last evaluated: 2016-03-02. Review status: criteria provided, single submitter. Criteria: GeneDx Variant Classification (06012015). Collection method: clinical testing. Allele origin: germline. Affected: yes.
Comment: This variant is considered likely benign or benign based on one or more of the following criteria: it is a conservative change, it occurs at a poorly conserved position in the protein, it is predicted to be benign by multiple in silico algorithms, and/or has population frequency not consistent with disease.

Breakthrough Genomics
Classification: Benign. Review status: criteria provided, single submitter. Criteria: ACMG Guidelines, 2015. Collection method: not provided. Allele origin: germline. Inheritance: Autosomal recessive inheritance. Affected: yes.

Genetic Services Laboratory, University of Chicago
Classification: Likely benign for AllHighlyPenetrant. Review status: no assertion criteria provided. Collection method: clinical testing. Allele origin: germline. Inheritance: Autosomal recessive inheritance. Not counted in ClinVar's aggregate classification.
Comment: Likely benign based on allele frequency in 1000 Genomes Project or ESP global frequency and its presence in a patient with a rare or unrelated disease phenotype. NOT Sanger confirmed.

Genome Diagnostics Laboratory, University Medical Center Utrecht
Classification: Benign. Review status: no assertion criteria provided. Collection method: clinical testing. Allele origin: germline. Affected: yes. Study: VKGL Data-share Consensus. Not counted in ClinVar's aggregate classification.

Laboratory of Diagnostic Genome Analysis, Leiden University Medical Center (LUMC)
Classification: Likely benign. Review status: no assertion criteria provided. Collection method: clinical testing. Allele origin: germline. Affected: yes. Study: VKGL Data-share Consensus. Not counted in ClinVar's aggregate classification.

NM_201384.3(PLEC):c.8050C>T (p.Arg2684Trp)

Gene: PLEC (plectin; minus strand). Cytogenetic location: 8q24.3.
Variant type: single nucleotide variant.
Coding change: c.8050C>T on transcript NM_201384.3 (MANE Select); coding-DNA position 8050, C replaced by T.
Protein change: p.Arg2684Trp; replaces arginine 2684 with tryptophan.
Molecular consequence: missense variant.
Genome position (GRCh38, 1-based): chr8:143,921,771, G>A on the plus strand (C>T on the coding strand, the complement: PLEC is on the minus strand). VCF-style: chr8-143921771-G-A. GRCh37 (hg19) VCF-style: chr8-144995939-G-A.
Other names: p.Arg2670Trp; c.8131C>T, p.Arg2711Trp (NM_000445.5); c.8008C>T, p.Arg2670Trp (NM_201378.4); c.7984C>T, p.Arg2662Trp (NM_201379.3); c.8461C>T, p.Arg2821Trp (NM_201380.4); c.7954C>T, p.Arg2652Trp (NM_201381.3); c.8050C>T, p.Arg2684Trp (NM_201382.4); c.8062C>T, p.Arg2688Trp (NM_201383.3); short protein forms R2652W, R2662W, R2670W, R2684W, R2688W, R2711W, R2821W.
Identifiers: ClinVar variation 129958 (VCV000129958.19), dbSNP rs35723243, ClinGen allele CA154636.